The following is an entry in ClinVar:

ClinVar aggregate classification (germline): Uncertain significance. Review status: criteria provided, multiple submitters, no conflicts (2 of 4 stars). 2 submissions from 2 submitters: Uncertain significance (2). Last evaluated 2026-04-03.

Conditions:
TBX3-related disorder. Also called: TBX3-related condition.
Ulnar-mammary syndrome (UMS). Also called: SCHINZEL SYNDROME; PALLISTER ULNAR-MAMMARY SYNDROME; Ulnar-mammary syndrome of Pallister. Identifiers: Orphanet 3138, MedGen C1866994, MONDO:0008411, OMIM 181450.

Allele frequency attached by ClinVar (database versions not stated): gnomAD exomes below 0.00001; gnomAD 0.00001; ExAC 0.00002; TOPMed 0.00002.
gnomAD v4.1: 8 of 1,614,006 alleles (0.0005%); highest among the groups gnomAD compares: African/African-American, 0.0067%; no homozygotes.

Submissions (2):

PreventionGenetics, part of Exact Sciences
Classification: Uncertain significance for TBX3-related condition. Last evaluated: 2026-04-03. Review status: criteria provided, single submitter. Criteria: ACMG Guidelines, 2015. Collection method: clinical testing. Allele origin: germline.
Comment: The TBX3 c.556A>G variant is predicted to result in the amino acid substitution p.Ile186Val. To our knowledge, this variant has not been reported in the literature. This variant is reported in 0.012% of alleles in individuals of African descent in gnomAD, which may be too common to be a primary cause of disease. Although we suspect that this variant may be benign, at this time, the clinical significance of this variant is uncertain due to the absence of conclusive functional and genetic evidence.

Labcorp Genetics (formerly Invitae), Labcorp
Classification: Uncertain significance for Ulnar-mammary syndrome. Last evaluated: 2022-05-03. Review status: criteria provided, single submitter. Criteria: Invitae Variant Classification Sherloc (09022015). Collection method: clinical testing. Allele origin: germline.
Comment: In summary, the available evidence is currently insufficient to determine the role of this variant in disease. Therefore, it has been classified as a Variant of Uncertain Significance. Algorithms developed to predict the effect of missense changes on protein structure and function (SIFT, PolyPhen-2, Align-GVGD) all suggest that this variant is likely to be disruptive. This variant has not been reported in the literature in individuals affected with TBX3-related conditions. This variant is present in population databases (rs753199262, gnomAD 0.007%). This sequence change replaces isoleucine, which is neutral and non-polar, with valine, which is neutral and non-polar, at codon 186 of the TBX3 protein (p.Ile186Val).

NM_005996.4(TBX3):c.556A>G (p.Ile186Val)

Gene: TBX3 (T-box transcription factor 3; minus strand). Cytogenetic location: 12q24.21.
Variant type: single nucleotide variant.
Coding change: c.556A>G on transcript NM_005996.4 (MANE Select); coding-DNA position 556, A replaced by G.
Protein change: p.Ile186Val; replaces isoleucine 186 with valine.
Molecular consequence: missense variant.
Genome position (GRCh38, 1-based): chr12:114,680,980, T>C on the plus strand (A>G on the coding strand, the complement: TBX3 is on the minus strand). VCF-style: chr12-114680980-T-C. GRCh37 (hg19) VCF-style: chr12-115118785-T-C.
Other names: c.556A>G, p.Ile186Val (NM_016569.4); c.556A>G (NM_016569.3); short protein forms I186V.
Identifiers: ClinVar variation 2084498 (VCV002084498.5), dbSNP rs753199262, ClinGen allele CA6810179.